The following is an entry in ClinVar:

ClinVar aggregate classification (germline): Uncertain significance (1 of 4 stars; one submission).

gnomAD v4.1: 7 of 1,614,110 alleles (0.00043%); highest among the groups gnomAD compares: Non-Finnish European, 0.00059%; no homozygotes.

Submission:

Labcorp Genetics (formerly Invitae), Labcorp
Classification: Uncertain significance. Last evaluated: 2025-03-29. Review status: criteria provided, single submitter. Criteria: Invitae Variant Classification Sherloc (09022015). Collection method: clinical testing. Allele origin: germline.
Comment: This sequence change replaces alanine, which is neutral and non-polar, with threonine, which is neutral and polar, at codon 1169 of the BRD4 protein (p.Ala1169Thr). This variant is present in population databases (no rsID available, gnomAD 0.0009%). This variant has not been reported in the literature in individuals affected with BRD4-related conditions. An algorithm developed to predict the effect of missense changes on protein structure and function (PolyPhen-2) suggests that this variant is likely to be disruptive. In summary, the available evidence is currently insufficient to determine the role of this variant in disease. Therefore, it has been classified as a Variant of Uncertain Significance.

NM_001379291.1(BRD4):c.3505G>A (p.Ala1169Thr)

Gene: BRD4 (bromodomain containing 4; minus strand). Cytogenetic location: 19p13.12.
Variant type: single nucleotide variant.
Coding change: c.3505G>A on transcript NM_001379291.1 (MANE Select); coding-DNA position 3505, G replaced by A.
Protein change: p.Ala1169Thr; replaces alanine 1169 with threonine.
Molecular consequence: missense variant.
Genome position (GRCh38, 1-based): chr19:15,239,463, C>T on the plus strand (G>A on the coding strand, the complement: BRD4 is on the minus strand). VCF-style: chr19-15239463-C-T. GRCh37 (hg19) VCF-style: chr19-15350274-C-T.
Other names: c.3505G>A, p.Ala1169Thr (NM_058243.3); short protein forms A1169T.
Identifiers: ClinVar variation 4797397 (VCV004797397.1).